The following is an entry in ClinVar:

ClinVar aggregate classification (germline): Uncertain significance. Review status: criteria provided, multiple submitters, no conflicts (2 of 4 stars). 2 submissions from 2 submitters: Uncertain significance (2). Last evaluated 2025-02-28.

Conditions:
Inborn genetic diseases. Identifiers: MedGen C0950123, MeSH D030342.

gnomAD v4.1: 13 of 1,560,798 alleles (0.00083%); highest among the groups gnomAD compares: African/African-American, 0.0068%; no homozygotes.

Submissions (2):

Ambry Genetics
Classification: Uncertain significance for Inborn genetic diseases. Last evaluated: 2025-02-28. Review status: criteria provided, single submitter. Criteria: Ambry Variant Classification Scheme 2023. Collection method: clinical testing. Allele origin: germline.

Labcorp Genetics (formerly Invitae), Labcorp
Classification: Uncertain significance. Last evaluated: 2022-05-21. Review status: criteria provided, single submitter. Criteria: Invitae Variant Classification Sherloc (09022015). Collection method: clinical testing. Allele origin: germline.
Comment: This sequence change replaces proline, which is neutral and non-polar, with glutamine, which is neutral and polar, at codon 34 of the TNFSF11 protein (p.Pro34Gln). The frequency data for this variant in the population databases is considered unreliable, as metrics indicate poor data quality at this position in the gnomAD database. This variant has not been reported in the literature in individuals affected with TNFSF11-related conditions. Algorithms developed to predict the effect of missense changes on protein structure and function (SIFT, PolyPhen-2, Align-GVGD) all suggest that this variant is likely to be tolerated. Algorithms developed to predict the effect of sequence changes on RNA splicing suggest that this variant may create or strengthen a splice site. In summary, the available evidence is currently insufficient to determine the role of this variant in disease. Therefore, it has been classified as a Variant of Uncertain Significance.

NM_003701.4(TNFSF11):c.101C>A (p.Pro34Gln)

Genes: TNFSF11 (TNF superfamily member 11; plus strand), LOC130009662 (ATAC-STARR-seq lymphoblastoid silent region 5301; plus strand). Cytogenetic location: 13q14.11.
Variant type: single nucleotide variant.
Coding change: c.101C>A on transcript NM_003701.4 (MANE Select); coding-DNA position 101, C replaced by A.
Protein change: p.Pro34Gln; replaces proline 34 with glutamine.
Molecular consequence: missense variant. On other transcripts: intron variant (1).
Genome position (GRCh38, 1-based): chr13:42,574,404, C>A. VCF-style: chr13-42574404-C-A. GRCh37 (hg19) VCF-style: chr13-43148540-C-A.
Other names: c.-1+2666C>A (NM_033012.4); c.101C>A (NM_003701.3); short protein forms P34Q.
Identifiers: ClinVar variation 1516096 (VCV001516096.6), dbSNP rs199558758, ClinGen allele CA6967121.